The following is an entry in ClinVar:

ClinVar aggregate classification (germline): Uncertain significance (1 of 4 stars; one submission).

Allele frequency attached by ClinVar (database versions not stated): gnomAD exomes 0.00001.
gnomAD v4.1: 19 of 1,612,574 alleles (0.0012%); highest among the groups gnomAD compares: East Asian, 0.0045%; no homozygotes.

Submission:

Ambry Genetics
Classification: Uncertain significance. Last evaluated: 2023-08-24. Review status: criteria provided, single submitter. Criteria: Ambry Variant Classification Scheme 2023. Collection method: clinical testing. Allele origin: germline.
Comment: The p.M259V variant (also known as c.775A>G), located in coding exon 8 of the RAD54L gene, results from an A to G substitution at nucleotide position 775. The methionine at codon 259 is replaced by valine, an amino acid with highly similar properties. This amino acid position is conserved. In addition, the in silico prediction for this alteration is inconclusive. Since supporting evidence is limited at this time, the clinical significance of this alteration remains unclear.

NM_003579.4(RAD54L):c.775A>G (p.Met259Val)

Gene: RAD54L (RAD54 like; plus strand). Cytogenetic location: 1p34.1.
Variant type: single nucleotide variant.
Coding change: c.775A>G on transcript NM_003579.4 (MANE Select); coding-DNA position 775, A replaced by G.
Protein change: p.Met259Val; replaces methionine 259 with valine.
Molecular consequence: missense variant.
Genome position (GRCh38, 1-based): chr1:46,261,269, A>G. VCF-style: chr1-46261269-A-G. GRCh37 (hg19) VCF-style: chr1-46726941-A-G.
Other names: c.775A>G, p.Met259Val (NM_001142548.2); c.235A>G, p.Met79Val (NM_001370766.1); short protein forms M259V, M79V.
Identifiers: ClinVar variation 1760477 (VCV001760477.3), dbSNP rs1384113848, ClinGen allele CA340188474.
Genomic context (GRCh38, chr1:46,261,269, plus strand): 5'-TTTTTTTTTCAAAAGATTCTGAATTGTTCCCTTTACACCTTTTCTGTTGTAGAAGGATTC[A>G]TGAACCAGCGTGGAGCCAGGGTGTCTTCTCCCATCCTCATCATTTCCTATGAGACCTTCC-3'
Protein context (NP_003570.2, residues 249-269): DEIDQKLEGF[Met259Val]NQRGARVSSP